The following is an entry in ClinVar:

ClinVar aggregate classification (germline): Uncertain significance (1 of 4 stars; one submission).

Conditions:
Immunodeficiency 31B. Also called: IMMUNODEFICIENCY 31B, MYCOBACTERIAL AND VIRAL INFECTIONS, AUTOSOMAL RECESSIVE; STAT1 DEFICIENCY, AUTOSOMAL RECESSIVE. Identifiers: Orphanet 391311, MedGen C3151088, MONDO:0013427, OMIM 613796.
Autoimmune enteropathy and endocrinopathy - susceptibility to chronic infections syndrome. Also called: Immunodeficiency 31C, autosomal dominant; Immunodeficiency 31C. Identifiers: Orphanet 391487, MedGen C3279990, MONDO:0013599, OMIM 614162.
Mendelian susceptibility to mycobacterial diseases due to partial STAT1 deficiency. Also called: IMMUNODEFICIENCY 31A, MYCOBACTERIOSIS, AUTOSOMAL DOMINANT; STAT1 DEFICIENCY, AUTOSOMAL DOMINANT; Immunodeficiency 31a. Identifiers: Orphanet 319595, MedGen C4013950, MONDO:0013956, OMIM 614892.

Submission:

Labcorp Genetics (formerly Invitae), Labcorp
Classification: Uncertain significance for Mendelian susceptibility to mycobacterial diseases due to partial STAT1 deficiency; Immunodeficiency 31B; Autoimmune enteropathy and endocrinopathy - susceptibility to chronic infections syndrome. Last evaluated: 2024-04-22. Review status: criteria provided, single submitter. Criteria: Invitae Variant Classification Sherloc (09022015). Collection method: clinical testing. Allele origin: germline.
Comment: This sequence change replaces isoleucine, which is neutral and non-polar, with methionine, which is neutral and non-polar, at codon 156 of the STAT1 protein (p.Ile156Met). This variant is not present in population databases (gnomAD no frequency). This variant has not been reported in the literature in individuals affected with STAT1-related conditions. An algorithm developed to predict the effect of missense changes on protein structure and function (PolyPhen-2) suggests that this variant is likely to be tolerated. In summary, the available evidence is currently insufficient to determine the role of this variant in disease. Therefore, it has been classified as a Variant of Uncertain Significance.

NM_007315.4(STAT1):c.468A>G (p.Ile156Met)

Gene: STAT1 (signal transducer and activator of transcription 1; minus strand). Cytogenetic location: 2q32.2.
Variant type: single nucleotide variant.
Coding change: c.468A>G on transcript NM_007315.4 (MANE Select); coding-DNA position 468, A replaced by G.
Protein change: p.Ile156Met; replaces isoleucine 156 with methionine.
Molecular consequence: missense variant. On other transcripts: splice acceptor variant (1).
Genome position (GRCh38, 1-based): chr2:190,999,699, T>C on the plus strand (A>G on the coding strand, the complement: STAT1 is on the minus strand). VCF-style: chr2-190999699-T-C. GRCh37 (hg19) VCF-style: chr2-191864425-T-C.
Other names: c.468A>G, p.Ile156Met (NM_001384888.1, NM_001384889.1, NM_139266.3 and 5 more transcripts); c.378A>G, p.Ile126Met (NM_001384890.1); c.504A>G, p.Ile168Met (NM_001384891.1); c.463-2A>G (NM_001384883.1); c.474A>G, p.Ile158Met (NM_001384881.1, NM_001384884.1); short protein forms I126M, I156M, I158M, I168M.
Identifiers: ClinVar variation 3755965 (VCV003755965.2).
Genomic context (GRCh38, chr2:190,999,699, plus strand): 5'-GGTTTTGCATTTGAAGTCATATTCATCTTGTAAATCTTCCAGGCTCTTGATTTCATGCTC[T>C]ATACACTACAAACAAAGATGTAAACATGTTTTCTACTGATCAGCAACTTCCAAAGACTTT-3'
Protein context (NP_009330.1, residues 146-166): VRNVKDKVMC[Ile156Met]EHEIKSLEDL